The following is an entry in ClinVar:

ClinVar aggregate classification (germline): Uncertain significance. Review status: criteria provided, multiple submitters, no conflicts (2 of 4 stars). 3 submissions from 3 submitters: Uncertain significance (3). Last evaluated 2025-03-26.

Conditions:
Inborn genetic diseases. Identifiers: MedGen C0950123, MeSH D030342.

Allele frequency attached by ClinVar (database versions not stated): gnomAD 0.00001; ExAC 0.00002; TOPMed 0.00004; gnomAD exomes below 0.00001.
gnomAD v4.1: 5 of 1,612,302 alleles (0.00031%); highest among the groups gnomAD compares: African/African-American, 0.0027%; no homozygotes.

Submissions (3):

Dasa
Classification: Uncertain significance. Last evaluated: 2025-03-26. Review status: criteria provided, single submitter. Criteria: DASA Assertion Criteria. Collection method: clinical testing. Allele origin: germline.
Comment: NM_005918.4(MDH2):c.725C>T (p.Ala242Val) is a missense variant that results in the substitution of alanine with valine. This variant is rare in population databases. The currently available literature and clinical evidence are not sufficient to establish a definitive association between this variant and the reported condition. Therefore, this variant is classified as a variant of uncertain significance.

Ambry Genetics
Classification: Uncertain significance for Inborn genetic diseases. Last evaluated: 2023-02-02. Review status: criteria provided, single submitter. Criteria: Ambry Variant Classification Scheme 2023. Collection method: clinical testing. Allele origin: germline.
Comment: The p.A242V variant (also known as c.725C>T), located in coding exon 7 of the MDH2 gene, results from a C to T substitution at nucleotide position 725. The alanine at codon 242 is replaced by valine, an amino acid with similar properties. This amino acid position is conserved. In addition, the in silico prediction for this alteration is inconclusive. Since supporting evidence is limited at this time, the clinical significance of this alteration remains unclear.

Labcorp Genetics (formerly Invitae), Labcorp
Classification: Uncertain significance. Last evaluated: 2022-08-24. Review status: criteria provided, single submitter. Criteria: Invitae Variant Classification Sherloc (09022015). Collection method: clinical testing. Allele origin: germline.
Comment: This sequence change replaces alanine, which is neutral and non-polar, with valine, which is neutral and non-polar, at codon 242 of the MDH2 protein (p.Ala242Val). The frequency data for this variant in the population databases is considered unreliable, as metrics indicate poor data quality at this position in the gnomAD database. This variant has not been reported in the literature in individuals affected with MDH2-related conditions. Algorithms developed to predict the effect of missense changes on protein structure and function are either unavailable or do not agree on the potential impact of this missense change (SIFT: "Deleterious"; PolyPhen-2: "Benign"; Align-GVGD: "Class C0"). In summary, the available evidence is currently insufficient to determine the role of this variant in disease. Therefore, it has been classified as a Variant of Uncertain Significance.

NM_005918.4(MDH2):c.725C>T (p.Ala242Val)

Gene: MDH2 (malate dehydrogenase 2; plus strand). Cytogenetic location: 7q11.23.
Variant type: single nucleotide variant.
Coding change: c.725C>T on transcript NM_005918.4 (MANE Select); coding-DNA position 725, C replaced by T.
Protein change: p.Ala242Val; replaces alanine 242 with valine.
Molecular consequence: missense variant.
Genome position (GRCh38, 1-based): chr7:76,064,430, C>T. VCF-style: chr7-76064430-C-T. GRCh37 (hg19) VCF-style: chr7-75693748-C-T.
Other names: c.599C>T, p.Ala200Val (NM_001282403.2); c.404C>T, p.Ala135Val (NM_001282404.2); short protein forms A200V, A242V, A135V.
Identifiers: ClinVar variation 1944531 (VCV001944531.5), dbSNP rs782141356, ClinGen allele CA4305662.